The following is an entry in ClinVar:

ClinVar aggregate classification (germline): Conflicting classifications of pathogenicity. Review status: criteria provided, conflicting classifications (1 of 4 stars). 7 submissions from 7 submitters: Pathogenic (1); Likely pathogenic (4); Uncertain significance (1). 1 of the submissions does not count toward it. Last evaluated 2026-05-20.

Conditions:
Spastic paraplegia 79A, autosomal dominant, with ataxia (SPG79A). Also called: Spastic paraplegia 79A, autosomal dominant. Identifiers: MedGen C5774300, MONDO:0859363, OMIM 620221.
UCHL1-related disorder. Also called: UCHL1-related condition.

Submissions (7):

Victorian Clinical Genetics Services, Murdoch Childrens Research Institute
Classification: Likely pathogenic for Spastic paraplegia 79A, autosomal dominant, with ataxia. Last evaluated: 2026-05-20. Review status: criteria provided, single submitter. Criteria: ACMG Guidelines, 2015. Collection method: clinical testing. Allele origin: germline. Affected: yes.
Comment: This variant is classified as Likely pathogenic. Evidence in support of pathogenic classification: In-frame insertion fully contained in a repetitive region that has high conservation; Variant is present in gnomAD <0.01 (v4: 3 heterozygote(s), 0 homozygote(s)); This variant has moderate previous evidence of pathogenicity in unrelated individuals. This variant has been classified as pathogenic/likely pathogenic by clinical laboratories in ClinVar. It has been reported in the literature in five affected individuals across three families with optic atrophy and/or late-onset spastic ataxia (PMID: 35986737). Additional information: This gene is associated with both recessive and dominant disease (OMIM); Segregation evidence for this variant is inconclusive. This variant was shown to segregate with disease between affected individuals within a family. However, insufficient genotyping was performed (PMID: 35986737); No published functional evidence has been identified for this variant; No comparable in-frame insertion variants have previous evidence for pathogenicity; Variant is located in the annotated Peptidase_C12 domain (DECIPHER); Loss of function is a known mechanism of disease in this gene and is associated with spastic paraplegia 79, autosomal recessive (MIM#615491) and spastic paraplegia 79A, autosomal dominant (MIM#620221).

CeGaT Center for Human Genetics Tuebingen
Classification: Likely pathogenic. Last evaluated: 2025-04-01. Review status: criteria provided, single submitter. Criteria: CeGaT Center For Human Genetics Tuebingen Variant Classification Criteria Version 2. Collection method: clinical testing. Allele origin: germline. Affected: yes. Observed: 2 variant alleles.
Comment: UCHL1: PS4, PM2:Supporting, PM4:Supporting, PP1

PreventionGenetics, part of Exact Sciences
Classification: Likely pathogenic for UCHL1-related condition. Last evaluated: 2025-01-31. Review status: criteria provided, single submitter. Criteria: ACMG Guidelines, 2015. Collection method: clinical testing. Allele origin: germline.
Comment: The UCHL1 c.154_156dupCTG variant is predicted to result in an in-frame duplication (p.Leu52dup). This variant has been reported in three kindreds with autosomal dominant optic atrophy and late-onset spastic ataxia (Park et al. 2022. PubMed ID: 35986737). This variant is absent in a large population database (gnomAD), indicating this variant is rare. This variant is interpreted as likely pathogenic.

3billion
Classification: Likely pathogenic for Spastic paraplegia 79A, autosomal dominant, with ataxia. Last evaluated: 2025-01-03. Review status: criteria provided, single submitter. Criteria: ACMG Guidelines, 2015. Collection method: clinical testing. Allele origin: germline. Affected: yes.
Comment: The variant is observed at an extremely low frequency in the gnomAD v4.1.0 dataset (total allele frequency: <0.001%). Predicted Consequence/Location: Inframe insertion located in a nonrepeat region: predicted to change the length of the protein and disrupt normal protein function. The variant has been observed in at least two similarly affected unrelated individuals (PMID: 37650884). The variant has been reported to co-segregate with the disease in at least 3 similarly affected relatives/individuals in the same family or similarly affected unrelated families (PMID: 37650884). The variant has been reported to be associated with UCHL1-related disorder (ClinVar ID: VCV002077519 /PMID: 35986737). Therefore, this variant is classified as Likely pathogenic according to the recommendation of ACMG/AMP guideline.

Labcorp Genetics (formerly Invitae), Labcorp
Classification: Pathogenic. Last evaluated: 2023-08-04. Review status: criteria provided, single submitter. Criteria: Invitae Variant Classification Sherloc (09022015). Collection method: clinical testing. Allele origin: germline.
Comment: For these reasons, this variant has been classified as Pathogenic. ClinVar contains an entry for this variant (Variation ID: 2077519). This variant has been observed in individuals with autosomal dominant hereditary spastic paraplegia (PMID: 35986737; Invitae). It has also been observed to segregate with disease in related individuals. This variant is not present in population databases (gnomAD no frequency). This variant, c.154_156dup, results in the insertion of 1 amino acid(s) of the UCHL1 protein (p.Leu52dup), but otherwise preserves the integrity of the reading frame.

Blueprint Genetics
Classification: Uncertain significance. Last evaluated: 2022-09-01. Review status: criteria provided, single submitter. Criteria: ACMG Guidelines, 2015. Collection method: clinical testing. Allele origin: germline.

OMIM
Classification: Pathogenic for SPASTIC PARAPLEGIA 79A, AUTOSOMAL DOMINANT, WITH ATAXIA. Last evaluated: 2024-01-30. Review status: no assertion criteria provided. Collection method: literature only. Allele origin: germline. Not counted in ClinVar's aggregate classification.

Literature cited by the submitters: PubMed 35986737 (cited by 3 submitters); PubMed 37650884 (cited by 3billion and OMIM).

NM_004181.5(UCHL1):c.145CTG[5] (p.Leu52_Phe53insLeu)

Gene: UCHL1 (ubiquitin C-terminal hydrolase L1; plus strand). Cytogenetic location: 4p13.
Variant type: Microsatellite.
Coding change: c.145CTG[5] on transcript NM_004181.5 (MANE Select); five copies in a row of the 3-base unit CTG starting at c.145; the reference has four copies in a row; one copy, 3 bases duplicated; also written c.154_156dup.
Protein change: p.Leu52_Phe53insLeu.
Molecular consequence: inframe insertion.
Genome position (GRCh38, 1-based): chr4:41,257,717-41,257,719, CTG duplicated; duplicating any 3 consecutive bases within chr4:41,257,707-41,257,719 gives the same sequence; the position shown is the placement nearest the transcript's 3' end. VCF-style (leftmost placement, unchanged base first): chr4-41257706-C-CGCT. GRCh37 (hg19) VCF-style: chr4-41259723-C-CGCT.
Other names: c.154_156dup (NM_004181.5); c.154_156dupCTG (NM_004181.4).
Identifiers: ClinVar variation 2077519 (VCV002077519.28), dbSNP rs749368841, ClinGen allele CA2497069748.